The following is an entry in ClinVar:

NM_000548.5(TSC2):c.2967-13C>T

Gene: TSC2 (TSC complex subunit 2; plus strand). Cytogenetic location: 16p13.3.
Variant type: single nucleotide variant.
Coding change: c.2967-13C>T on transcript NM_000548.5 (MANE Select); 13 bases into the intron before coding-DNA position 2967, C replaced by T.
Molecular consequence: intron variant.
Genome position (GRCh38, 1-based): chr16:2,079,019, C>T. VCF-style: chr16-2079019-C-T. GRCh37 (hg19) VCF-style: chr16-2129020-C-T.
Other names: c.2967-13C>T (NM_001114382.3); c.2838-13C>T (NM_021055.3, NM_001370405.1, NM_001363528.2); c.2838-16C>T (NM_001370404.1, NM_001077183.3); c.2727-13C>T (NM_001318827.2); c.2238-16C>T (NM_001318831.2); c.2691-13C>T (NM_001318829.2); c.2871-16C>T (NM_001318832.2).
Identifiers: ClinVar variation 1237644 (VCV001237644.14), dbSNP rs536150612, ClinGen allele CA043342.

ClinVar aggregate classification (germline): Benign/Likely benign. Review status: criteria provided, multiple submitters, no conflicts (2 of 4 stars). 5 submissions from 5 submitters: Benign (4); Likely benign (1). Last evaluated 2025-12-20.

Conditions:
Tuberous sclerosis 2 (TSC2). Identifiers: MONDO:0013199, OMIM 613254, Orphanet 805, MedGen C1860707.
Tuberous sclerosis syndrome (TSC). Also called: Tuberous Sclerosis Complex; Tuberous sclerosis. Identifiers: Orphanet 805, MedGen C0041341, MONDO:0001734.

Allele frequency attached by ClinVar (database versions not stated): gnomAD 0.00001 and 0.00003; TOPMed 0.00001; gnomAD exomes 0.00005 and 0.00013; ExAC 0.00012; 1000 Genomes Project 30x 0.00016; 1000 Genomes Project 0.00020.
gnomAD v4.1: 91 of 1,612,282 alleles (0.0056%); highest among the groups gnomAD compares: South Asian, 0.083%; no homozygotes.

Submissions (5):

Labcorp Genetics (formerly Invitae), Labcorp
Classification: Benign for Tuberous sclerosis 2. Last evaluated: 2025-12-20. Review status: criteria provided, single submitter. Criteria: Invitae Variant Classification Sherloc (09022015). Collection method: clinical testing. Allele origin: germline.

Myriad Genetics, Inc.
Classification: Benign for Tuberous sclerosis 2. Last evaluated: 2024-09-09. Review status: criteria provided, single submitter. Criteria: Myriad Autosomal Dominant, Autosomal Recessive and X-Linked Classification Criteria (2023). Collection method: clinical testing. Allele origin: unknown.
Comment: This variant is considered benign. This variant is intronic and is not expected to impact mRNA splicing. This variant has been observed at a population frequency that is significantly greater than expected given the associated disease prevalence and penetrance.

Color Diagnostics, LLC DBA Color Health
Classification: Benign for Tuberous sclerosis syndrome. Last evaluated: 2022-11-22. Review status: criteria provided, single submitter. Criteria: ACMG Guidelines, 2015. Collection method: clinical testing. Allele origin: germline.

Blueprint Genetics
Classification: Likely benign. Last evaluated: 2021-11-04. Review status: criteria provided, single submitter. Criteria: ACMG Guidelines, 2015. Collection method: clinical testing. Allele origin: germline.

GeneDx
Classification: Benign. Last evaluated: 2018-12-26. Review status: criteria provided, single submitter. Criteria: GeneDx Variant Classification Process June 2021. Collection method: clinical testing. Allele origin: germline. Affected: yes.